The following is an entry in ClinVar:

ClinVar aggregate classification (germline): Likely pathogenic (1 of 4 stars; one submission).

Conditions:
RP1-related dominant retinopathy. Identifiers: MedGen CN322606, MONDO:0800400.

Submission:

Department of Ophthalmology, Seoul National University Bundang Hospital
Classification: Likely pathogenic for RP1-related dominant retinopathy. Last evaluated: 2026-10-19. Review status: criteria provided, single submitter. Criteria: ACMG Guidelines, 2015. Collection method: clinical testing. Allele origin: germline. Inheritance: Autosomal dominant inheritance. Affected: yes.
Comment: Deletion in exon 4, within the dominant cluster, creating a premature stop codon. Identified in a Korean multicenter RP1 cohort (PMID:42847597) with dominant retinitis pigmentosa. ACMG/AMP criteria: PVS1, PM2. Previously reported by Kim et al., 2021 (PMID:34721897).

Literature cited by the submitters: PubMed 42847597; PubMed 34721897.

NM_006269.2(RP1):c.2238_2239del (p.Lys746_Ser747insTer)

Gene: RP1 (RP1 axonemal microtubule associated; plus strand). Cytogenetic location: 8q12.1.
Variant type: Deletion.
Coding change: c.2238_2239del on transcript NM_006269.2 (MANE Select); coding-DNA positions 2238 to 2239, 2 bases deleted (AA; older notation c.2238_2239delAA).
Protein change: p.Lys746_Ser747insTer.
Molecular consequence: frameshift variant. On other transcripts: intron variant (1).
Genome position (GRCh38, 1-based): chr8:54,626,120-54,626,121, AA deleted; deleting any 2 consecutive bases within chr8:54,626,118-54,626,121 gives the same sequence; the c. name uses the placement nearest the transcript's 3' end. VCF-style (leftmost placement, unchanged base first): chr8-54626117-CAA-C. GRCh37 (hg19) VCF-style: chr8-55538677-CAA-C.
Other names: p.Ser747*; c.787+3832_787+3833del (NM_001375654.1).
Identifiers: ClinVar variation 5042631 (VCV005042631.1).